The following is an entry in ClinVar:

ClinVar aggregate classification (germline): Uncertain significance (1 of 4 stars; one submission).

Submission:

Labcorp Genetics (formerly Invitae), Labcorp
Classification: Uncertain significance. Last evaluated: 2022-01-10. Review status: criteria provided, single submitter. Criteria: Invitae Variant Classification Sherloc (09022015). Collection method: clinical testing. Allele origin: germline.
Comment: In summary, the available evidence is currently insufficient to determine the role of this variant in disease. Therefore, it has been classified as a Variant of Uncertain Significance. Algorithms developed to predict the effect of missense changes on protein structure and function are either unavailable or do not agree on the potential impact of this missense change (SIFT: "Tolerated"; PolyPhen-2: "Probably Damaging"; Align-GVGD: "Class C0"). This variant has not been reported in the literature in individuals affected with ASXL1-related conditions. This sequence change replaces alanine, which is neutral and non-polar, with threonine, which is neutral and polar, at codon 1439 of the ASXL1 protein (p.Ala1439Thr). This variant is not present in population databases (gnomAD no frequency).

NM_015338.6(ASXL1):c.4315G>A (p.Ala1439Thr)

Gene: ASXL1 (ASXL transcriptional regulator 1; plus strand). Cytogenetic location: 20q11.21.
Variant type: single nucleotide variant.
Coding change: c.4315G>A on transcript NM_015338.6 (MANE Select); coding-DNA position 4315, G replaced by A.
Protein change: p.Ala1439Thr; replaces alanine 1439 with threonine.
Molecular consequence: missense variant.
Genome position (GRCh38, 1-based): chr20:32,437,027, G>A. VCF-style: chr20-32437027-G-A. GRCh37 (hg19) VCF-style: chr20-31024830-G-A.
Other names: c.4132G>A, p.Ala1378Thr (NM_001363734.1); short protein forms A1378T, A1439T.
Identifiers: ClinVar variation 1485588 (VCV001485588.8), dbSNP rs2145394898, ClinGen allele CA408564896.
Genomic context (GRCh38, chr20:32,437,027, plus strand): 5'-AAGGGGCTCAGTGAGCCTCTGGAGCCTTCTTCTCTCCCCTCCCAACTCAGCATCAAGCAG[G>A]CATTTTATGGGAAGCTTTCTAAACTCCAACTGAGTTCCACCAGCTTTAATTATTCCTCTA-3'
Protein context (NP_056153.2, residues 1429-1449): SLPSQLSIKQ[Ala1439Thr]FYGKLSKLQL